The following is an entry in ClinVar:

NM_001134407.3(GRIN2A):c.604A>C (p.Asn202His)

Gene: GRIN2A (glutamate ionotropic receptor NMDA type subunit 2A; minus strand). Cytogenetic location: 16p13.2.
Variant type: single nucleotide variant.
Coding change: c.604A>C on transcript NM_001134407.3 (MANE Select); coding-DNA position 604, A replaced by C.
Protein change: p.Asn202His; replaces asparagine 202 with histidine.
Molecular consequence: missense variant.
Genome position (GRCh38, 1-based): chr16:9,938,362, T>G on the plus strand (A>C on the coding strand, the complement: GRIN2A is on the minus strand). VCF-style: chr16-9938362-T-G. GRCh37 (hg19) VCF-style: chr16-10032219-T-G.
Other names: c.604A>C, p.Asn202His (NM_000833.5, NM_001134408.2); short protein forms N202H.
Identifiers: ClinVar variation 3336124 (VCV003336124.1).

ClinVar aggregate classification (germline): Uncertain significance (1 of 4 stars; one submission).

Submission:

Women's Health and Genetics/Laboratory Corporation of America, LabCorp
Classification: Uncertain significance. Last evaluated: 2024-05-07. Review status: criteria provided, single submitter. Criteria: LabCorp Variant Classification Summary - May 2015. Collection method: clinical testing. Allele origin: germline.
Comment: Variant summary: GRIN2A c.604A>C (p.Asn202His) results in a conservative amino acid change located in the Receptor, ligand binding region domain (IPR001828) of the encoded protein sequence. Four of five in-silico tools predict a benign effect of the variant on protein function. The variant was absent in 251056 control chromosomes. The available data on variant occurrences in the general population are insufficient to allow any conclusion about variant significance. To our knowledge, no occurrence of c.604A>C in individuals affected with Epilepsy, Focal, With Speech Disorder And With Or Without Mental Retardation and no experimental evidence demonstrating its impact on protein function have been reported. No submitters have cited clinical-significance assessments for this variant to ClinVar. Based on the evidence outlined above, the variant was classified as uncertain significance.